The following is an entry in ClinVar:

ClinVar aggregate classification (germline): Conflicting classifications of pathogenicity. Review status: criteria provided, conflicting classifications (1 of 4 stars). 6 submissions from 6 submitters: Uncertain significance (2); Likely benign (2). 2 of the submissions do not count toward it. Last evaluated 2023-06-01.

Conditions:
Autosomal recessive nonsyndromic hearing loss 77. Identifiers: Orphanet 90636, MedGen C2746083, MONDO:0013119, OMIM 613079.

Allele frequency attached by ClinVar (database versions not stated): gnomAD 0.00013 and 0.00015; TOPMed 0.00018; gnomAD exomes 0.00033; ESP Exome Variant Server 0.00044; ExAC 0.00083.
gnomAD v4.1: 361 of 1,551,656 alleles (0.023%); highest among the groups gnomAD compares: Middle Eastern, 0.37%; 1 homozygote.

Submissions (6):

CeGaT Center for Human Genetics Tuebingen
Classification: Likely benign. Last evaluated: 2023-06-01. Review status: criteria provided, single submitter. Criteria: CeGaT Center For Human Genetics Tuebingen Variant Classification Criteria Version 2. Collection method: clinical testing. Allele origin: germline. Affected: yes. Observed: 1 variant allele.
Comment: LOXHD1: BP4, BS2

Labcorp Genetics (formerly Invitae), Labcorp
Classification: Uncertain significance. Last evaluated: 2022-05-15. Review status: criteria provided, single submitter. Criteria: Invitae Variant Classification Sherloc (09022015). Collection method: clinical testing. Allele origin: germline.
Comment: This sequence change replaces arginine, which is basic and polar, with tryptophan, which is neutral and slightly polar, at codon 1800 of the LOXHD1 protein (p.Arg1800Trp). This variant is present in population databases (rs201994383, gnomAD 0.1%), including at least one homozygous and/or hemizygous individual. This missense change has been observed in individual(s) with clinical features of LOXHD1-related conditions (PMID: 22341973, 27068579). ClinVar contains an entry for this variant (Variation ID: 227529). Algorithms developed to predict the effect of missense changes on protein structure and function are either unavailable or do not agree on the potential impact of this missense change (SIFT: "Deleterious"; PolyPhen-2: "Probably Damaging"; Align-GVGD: "Class C0"). In summary, the available evidence is currently insufficient to determine the role of this variant in disease. Therefore, it has been classified as a Variant of Uncertain Significance.

Illumina Laboratory Services, Illumina
Classification: Uncertain significance for Autosomal recessive nonsyndromic hearing loss 77. Last evaluated: 2017-04-27. Review status: criteria provided, single submitter. Criteria: ICSL Variant Classification Criteria 13 December 2019. Collection method: clinical testing. Allele origin: germline.
Comment: This variant was observed as part of a predisposition screen in an ostensibly healthy population. A literature search was performed for the gene, cDNA change, and amino acid change (where applicable). Publications were found based on this search. However, the evidence from the literature, in combination with allele frequency data from public databases where available, was not sufficient to rule this variant in or out of causing disease. Therefore, this variant is classified as a variant of unknown significance.

Laboratory for Molecular Medicine, Mass General Brigham Personalized Medicine
Classification: Likely benign. Last evaluated: 2015-01-26. Review status: criteria provided, single submitter. Criteria: LMM Criteria. Collection method: clinical testing. Allele origin: germline. Observed: 1 variant allele.
Comment: p.Arg1800Trp in exon 35 of LOXHD1: This variant is not expected to have clinical significance because it has been identified in 0.2% (13/7914) of South Asian ch romosomes by the Exome Aggregation Consortium (ExAC. org; dbSNP rs201994383). In addition, the arginine (Arg) residue at position 18 00 is not conserved throughout species, with Weddell seal having a tryptophan (T rp). Although this variant has been reported in at least 1 individual with domi nant late onset Fuchs corneal dystrophy (Riazuddin, 2012), the frequency data an d conservation data indicate that it is likely benign.

Natera, Inc.
Classification: Likely benign for Autosomal recessive deafness type 77. Last evaluated: 2020-01-03. Review status: no assertion criteria provided. Collection method: clinical testing. Allele origin: germline. Not counted in ClinVar's aggregate classification.

Counsyl
Classification: Uncertain significance for Autosomal recessive nonsyndromic hearing loss 77. Last evaluated: 2017-05-25. Review status: no assertion criteria provided. Collection method: clinical testing. Allele origin: unknown. Not counted in ClinVar's aggregate classification.

Literature cited by the submitters: PubMed 22341973 (cited by 3 submitters); PubMed 27068579 (cited by Labcorp Genetics (formerly Invitae), Labcorp and Counsyl).

NM_001384474.1(LOXHD1):c.5584C>T (p.Arg1862Trp)

Gene: LOXHD1 (lipoxygenase homology PLAT domains 1; minus strand). Cytogenetic location: 18q21.1.
Variant type: single nucleotide variant.
Coding change: c.5584C>T on transcript NM_001384474.1 (MANE Select); coding-DNA position 5584, C replaced by T.
Protein change: p.Arg1862Trp; replaces arginine 1862 with tryptophan.
Molecular consequence: missense variant.
Genome position (GRCh38, 1-based): chr18:46,507,646, G>A on the plus strand (C>T on the coding strand, the complement: LOXHD1 is on the minus strand). VCF-style: chr18-46507646-G-A. GRCh37 (hg19) VCF-style: chr18-44087609-G-A.
Other names: c.2251C>T, p.Arg751Trp (NM_001145472.3); c.301C>T, p.Arg101Trp (NM_001145473.3, NM_001173129.2); c.1963C>T, p.Arg655Trp (NM_001308013.2); c.5398C>T, p.Arg1800Trp (NM_144612.7); short protein forms R1800W, R655W, R101W, R751W, R1862W.
Identifiers: ClinVar variation 227529 (VCV000227529.36), dbSNP rs201994383, ClinGen allele CA8952169.
Genomic context (GRCh38, chr18:46,507,646, plus strand): 5'-TCATTTCTTCCTCATCGATAACGGCACACATTTCACACACCAGGGTCTTCTTGCCCTTCC[G>A]CTGGGACAGCCAGTCTCCATAGTAGAACATGGTCAGGTCTCCAGTGTTCATGTTCTTCAG-3'
Protein context (NP_001371403.1, residues 1852-1872): MFYYGDWLSQ[Arg1862Trp]KGKKTLVCEM